The following is an entry in ClinVar:

ClinVar aggregate classification (germline): Likely benign (0 of 4 stars; one submission).

Conditions:
PRRC2A-related disorder. Also called: PRRC2A-related condition.

Allele frequency attached by ClinVar (database versions not stated): ESP Exome Variant Server 0.00024; gnomAD 0.00038; TOPMed 0.00052; ExAC 0.00087; 1000 Genomes Project 30x 0.00219; 1000 Genomes Project 0.00220.
gnomAD v4.1: 485 of 1,612,970 alleles (0.03%); highest among the groups gnomAD compares: Admixed American, 0.37%; 9 homozygotes.

Submission:

PreventionGenetics, part of Exact Sciences
Classification: Likely benign for PRRC2A-related condition. Last evaluated: 2019-07-15. Review status: no assertion criteria provided. Collection method: clinical testing. Allele origin: germline.
Comment: This variant is classified as likely benign based on ACMG/AMP sequence variant interpretation guidelines (Richards et al. 2015 PMID: 25741868, with internal and published modifications).

NM_004638.4(PRRC2A):c.1479C>T (p.Leu493=)

Gene: PRRC2A (proline rich coiled-coil 2A; plus strand). Cytogenetic location: 6p21.33.
Variant type: single nucleotide variant.
Coding change: c.1479C>T on transcript NM_004638.4 (MANE Select); coding-DNA position 1479, C replaced by T.
Protein change: p.Leu493=; no amino-acid change (leucine 493 retained).
Molecular consequence: synonymous variant.
Genome position (GRCh38, 1-based): chr6:31,627,953, C>T. VCF-style: chr6-31627953-C-T. GRCh37 (hg19) VCF-style: chr6-31595730-C-T.
Other names: c.1479C>T, p.Leu493= (NM_080686.3).
Identifiers: ClinVar variation 3049498 (VCV003049498.2), dbSNP rs115697735, ClinGen allele CA3715405.
Genomic context (GRCh38, chr6:31,627,953, plus strand): 5'-AGAGGAGCGGCGCATGCAAGAAGAGCGCCGGGCAGCCTGTGCTGAGAAGCTCAAGCGACT[C>T]GATGAAAAGTTTGGGGCACCTGACAAGCGGCTCAAAGCAGAGCCTGCTGCCCCACCTGCT-3'
Protein context (NP_004629.3, residues 483-503): RAACAEKLKR[Leu493=]DEKFGAPDKR